The following is an entry in ClinVar:

ClinVar aggregate classification (germline): Benign/Likely benign. Review status: criteria provided, multiple submitters, no conflicts (2 of 4 stars). 2 submissions from 2 submitters: Benign (1); Likely benign (1). Last evaluated 2022-08-09.

Conditions:
Idiopathic generalized epilepsy. Also called: Generalised epilepsy; EIG. Identifiers: MedGen C0270850, MONDO:0005579, OMIM 600669.

Allele frequency attached by ClinVar (database versions not stated): gnomAD below 0.00001 and 0.00002; TOPMed below 0.00001; gnomAD exomes 0.00003 and 0.00007; ExAC 0.00012; 1000 Genomes Project 30x 0.00031; 1000 Genomes Project 0.00040.
gnomAD v4.1: 47 of 1,587,016 alleles (0.003%); highest among the groups gnomAD compares: South Asian, 0.051%; no homozygotes.

Submissions (2):

Labcorp Genetics (formerly Invitae), Labcorp
Classification: Likely benign for Idiopathic generalized epilepsy. Last evaluated: 2022-08-09. Review status: criteria provided, single submitter. Criteria: Invitae Variant Classification Sherloc (09022015). Collection method: clinical testing. Allele origin: germline.

GeneDx
Classification: Benign. Last evaluated: 2015-04-10. Review status: criteria provided, single submitter. Criteria: GeneDx Variant Classification (06012015). Collection method: clinical testing. Allele origin: germline. Affected: yes.
Comment: This variant is considered likely benign or benign based on one or more of the following criteria: it is a conservative change, it occurs at a poorly conserved position in the protein, it is predicted to be benign by multiple in silico algorithms, and/or has population frequency not consistent with disease.

NM_000726.5(CACNB4):c.1033T>C (p.Leu345=)

Gene: CACNB4 (calcium voltage-gated channel auxiliary subunit beta 4; minus strand). Cytogenetic location: 2q23.3.
Variant type: single nucleotide variant.
Coding change: c.1033T>C on transcript NM_000726.5 (MANE Select); coding-DNA position 1033, T replaced by C.
Protein change: p.Leu345=; no amino-acid change (leucine 345 retained).
Molecular consequence: synonymous variant.
Genome position (GRCh38, 1-based): chr2:151,853,531, A>G on the plus strand (T>C on the coding strand, the complement: CACNB4 is on the minus strand). VCF-style: chr2-151853531-A-G. GRCh37 (hg19) VCF-style: chr2-152710045-A-G.
Other names: c.979T>C, p.Leu327= (NM_001005746.4); c.931T>C, p.Leu311= (NM_001005747.4); c.1033T>C, p.Leu345= (NM_001145798.3); c.892T>C, p.Leu298= (NM_001320722.3, NM_001330118.2); c.790T>C, p.Leu264= (NM_001330113.2); c.379T>C, p.Leu127= (NM_001330114.2); c.742T>C, p.Leu248= (NM_001330115.2); c.703T>C, p.Leu235= (NM_001330116.2); and 1 more.
Identifiers: ClinVar variation 377622 (VCV000377622.12), dbSNP rs529832815, ClinGen allele CA1912414.